The following is an entry in ClinVar:

ClinVar aggregate classification (germline): Pathogenic/Likely pathogenic. Review status: criteria provided, multiple submitters, no conflicts (2 of 4 stars). 14 submissions from 14 submitters: Pathogenic (4); Likely pathogenic (8). 2 of the submissions do not count toward it. Last evaluated 2026-06-29.

Conditions:
Glycogen storage disease, type IV (GSD4). Also called: Glycogen storage disease due to glycogen branching enzyme deficiency; AMYLOPECTINOSIS; ANDERSEN DISEASE; BRANCHER DEFICIENCY; CIRRHOSIS, FAMILIAL, WITH DEPOSITION OF ABNORMAL GLYCOGEN; GBE1 DEFICIENCY. Identifiers: Orphanet 367, MedGen C0017923, MONDO:0009292, OMIM 232500.
Glycogen storage disease IV, classic hepatic. Also called: GSD IV, CLASSIC HEPATIC. Identifiers: MedGen C1856301.
GBE1-related disorder. Also called: GBE1-related disorders; GBE1-related condition. Identifiers: MedGen CN239402.
Adult polyglucosan body disease (APBN). Also called: GBE1-Adult Polyglucosan Body Disease; POLYGLUCOSAN BODY DISEASE, ADULT FORM. Identifiers: Orphanet 206583, MedGen C1849722, MONDO:0009897, OMIM 263570.
Glycogen storage disease due to glycogen branching enzyme deficiency, childhood neuromuscular form. Also called: GSD IV, NEUROMUSCULAR FORM, CHILDHOOD; Glycogen storage disease IV, childhood neuromuscular. Identifiers: Orphanet 308698, MedGen C1856305, MONDO:0017700.

Allele frequency attached by ClinVar (database versions not stated): gnomAD exomes below 0.00001 and 0.00001; ExAC 0.00001; gnomAD 0.00001; TOPMed 0.00002.
gnomAD v4.1: 15 of 1,611,390 alleles (0.00093%); highest among the groups gnomAD compares: Non-Finnish European, 0.0012%; no homozygotes.

Submissions (14):

Laboratory of Medical Genetics, University of Torino
Classification: Likely pathogenic for Glycogen storage disease, type IV. Last evaluated: 2026-06-29. Review status: criteria provided, single submitter. Criteria: ACMG Guidelines, 2015. Collection method: clinical testing. Allele origin: maternal. Affected: yes.

Victorian Clinical Genetics Services, Murdoch Childrens Research Institute
Classification: Pathogenic for Glycogen storage disease, type IV. Last evaluated: 2026-02-19. Review status: criteria provided, single submitter. Criteria: ACMG Guidelines, 2015. Collection method: clinical testing. Allele origin: germline. Affected: yes.
Comment: This variant is classified as Pathogenic. Evidence in support of pathogenic classification: Variant is present in gnomAD <0.01 for a recessive condition (v4: 15 heterozygote(s), 0 homozygote(s)); This variant has strong previous evidence of pathogenicity in unrelated individuals. This variant has been classified as likely pathogenic/pathogenic by multiple clinical laboratories in ClinVar. Additionally, it has been reported in at least three affected children in a presumed compound heterozygous state with a null variant (PMID: 33332610, 15452297); Missense variant predicted to be damaging by in silico tool(s) or highly conserved with a major amino acid change. Additional information: Variant is predicted to result in a missense amino acid change from His to Arg; This variant is heterozygous; This gene is associated with autosomal recessive disease; Alternative amino acid change(s) at the same position are present in gnomAD (v4: 2 heterozygote(s), 0 homozygote(s)); No comparable missense variants have previous evidence for pathogenicity; Variant is located in the annotated alpha amylase, C-terminal all-beta domain (DECIPHER); Loss of function is a known mechanism of disease in this gene and is associated with glycogen storage disease due to glycogen branching enzyme deficiency (MONDO:0009292); Inheritance information for this variant is not currently available in this individual.

Natera, Inc.
Classification: Likely pathogenic for Glycogen storage disease type IV. Last evaluated: 2025-12-15. Review status: criteria provided, single submitter. Criteria: Natera Variant Classification Schema (03/2026). Collection method: clinical testing. Allele origin: germline.
Comment: The c.1883A>G variant in GBE1 is a missense variant predicted to cause substitution of histidine to arginine at amino acid 628. This variant is rare in the general population with a frequency below the threshold expected for the associated phenotype(s). This variant has been observed in one or more individuals affected with the associated recessive disease, as either homozygous or compound heterozygous with a second variant (PMID: 33332610, 15452297, 26886200). Computational prediction algorithms indicate this variant is likely to affect gene or protein function. Given the available evidence, this variant is classified as Likely Pathogenic.

Labcorp Genetics (formerly Invitae), Labcorp
Classification: Pathogenic for Glycogen storage disease, type IV; Glycogen storage disease IV, classic hepatic. Last evaluated: 2025-08-07. Review status: criteria provided, single submitter. Criteria: Invitae Variant Classification Sherloc (09022015). Collection method: clinical testing. Allele origin: germline.
Comment: This sequence change replaces histidine, which is basic and polar, with arginine, which is basic and polar, at codon 628 of the GBE1 protein (p.His628Arg). This variant is present in population databases (rs137852891, gnomAD 0.0009%). This missense change has been observed in individual(s) with glycogen storage disease (PMID: 15452297, 26886200, 27243974, 33332610). In at least one individual the data is consistent with being in trans (on the opposite chromosome) from a pathogenic variant. ClinVar contains an entry for this variant (Variation ID: 2788). Invitae Evidence Modeling of protein sequence and biophysical properties (such as structural, functional, and spatial information, amino acid conservation, physicochemical variation, residue mobility, and thermodynamic stability) has been performed for this missense variant. However, the output from this modeling did not meet the statistical confidence thresholds required to predict the impact of this variant on GBE1 protein function. For these reasons, this variant has been classified as Pathogenic.

Myriad Genetics, Inc.
Classification: Likely pathogenic for Glycogen storage disease, type IV. Last evaluated: 2025-05-07. Review status: criteria provided, single submitter. Criteria: Myriad Autosomal Dominant, Autosomal Recessive and X-Linked Classification Criteria (2023). Collection method: clinical testing. Allele origin: unknown.
Comment: NM_000158.3(GBE1):c.1883A>G(H628R) is a missense variant classified as likely pathogenic in the context of glycogen storage disease, GBE1-related. H628R has been observed in cases with relevant disease (PMID: 15452297, 27243974, 33332610, 33473341). Relevant functional assessments of this variant are not available in the literature. H628R has been observed in referenced population frequency databases. In summary, NM_000158.3(GBE1):c.1883A>G(H628R) is a missense variant that has been observed more frequently in cases with the relevant disease than in healthy populations. Please note: this variant was assessed in the context of healthy population screening.

Blueprint Genetics
Classification: Pathogenic for GBE1-related disorders. Last evaluated: 2024-09-02. Review status: criteria provided, single submitter. Criteria: ACMG Guidelines, 2015. Collection method: clinical testing. Allele origin: germline. Affected: yes. Observed: 5 variant alleles.

Fulgent Genetics
Classification: Likely pathogenic for Glycogen storage disease, type IV; Adult polyglucosan body disease. Last evaluated: 2024-06-13. Review status: criteria provided, single submitter. Criteria: ACMG Guidelines, 2015. Collection method: clinical testing. Allele origin: germline.

Baylor Genetics
Classification: Likely pathogenic for Glycogen storage disease, type IV. Last evaluated: 2024-02-05. Review status: criteria provided, single submitter. Criteria: ACMG Guidelines, 2015. Collection method: clinical testing. Allele origin: unknown.

GeneDx
Classification: Likely pathogenic. Last evaluated: 2023-05-24. Review status: criteria provided, single submitter. Criteria: GeneDx Variant Classification Process June 2021. Collection method: clinical testing. Allele origin: germline. Affected: yes.
Comment: Not observed at significant frequency in large population cohorts (gnomAD); In silico analysis supports that this missense variant has a deleterious effect on protein structure/function; This variant is associated with the following publications: (PMID: 15452297, 17915577, 26199317, 33473341, 29379554, 20058079, 33332610, 22305237, 27243974, 26886200)

Broad Center for Mendelian Genomics, Broad Institute of MIT and Harvard
Classification: Likely pathogenic for Glycogen storage disease, type IV. Last evaluated: 2022-01-27. Review status: criteria provided, single submitter. Criteria: ACMG Guidelines, 2015. Collection method: curation. Allele origin: germline. Inheritance: Autosomal recessive inheritance.
Comment: The p.His628Arg variant in GBE1 has been reported in at least 4 individuals with glycogen storage disease type IV (GSD IV) (PMID: 15452297, 26886200, 33332610, 33473341) and has been identified in 0.0009% (1/112290) of European (non-Finnish) chromosomes by the Genome Aggregation Database (gnomAD; dbSNP ID: rs137852891). Although this variant has been seen in the general population in a heterozygous state, its frequency is low enough to be consistent with a recessive carrier frequency. Of the 4 affected individuals, 1 was a compound heterozygote that carried a likely pathogenic variant in trans, and 2 were compound heterozygotes that carried reported pathogenic variants with unknown phase, which increases the likelihood that the p.His628Arg variant is pathogenic (VariationID: 208584, 2781; PMID: 26886200, 33332610, 15452297). This variant has also been reported in ClinVar (Variation ID#: 2788) and has been interpreted as pathogenic by CeGaT Praxis fuer Humangenetik Tuebingen, OMIM, and GeneReviews and as a variant of uncertain significance by Illumina Clinical Services Laboratory (Illumina). Computational prediction tools and conservation analyses suggest that this variant may impact the protein, though this information is not predictive enough to determine pathogenicity. The phenotype of an individual compound heterozygous for this variant is highly specific for GSD IV based on strict biochemical investigations consistent with disease (PMID: 15452297). In summary, although additional studies are required to fully establish its clinical significance, this variant is likely pathogenic for GSD IV. ACMG/AMP Criteria applied: PP3, PM3_strong, PM2_supporting, PP4 (Richards 2015).

Women's Health and Genetics/Laboratory Corporation of America, LabCorp
Classification: Likely pathogenic for Glycogen storage disease, type IV. Last evaluated: 2021-11-07. Review status: criteria provided, single submitter. Criteria: LabCorp Variant Classification Summary - May 2015. Collection method: clinical testing. Allele origin: germline.
Comment: Variant summary: GBE1 c.1883A>G (p.His628Arg) results in a non-conservative amino acid change located in the Alpha-amylase/branching enzyme, C-terminal all beta domain (IPR006048) of the encoded protein sequence. Five of five in-silico tools predict a damaging effect of the variant on protein function. The variant allele was found at a frequency of 4e-06 in 247212 control chromosomes. c.1883A>G has been reported in the literature as a compound heterozygous genotype in individuals affected with Glycogen Storage Disease, Type IV (example, Bruno_2004, Kuhn_2016, Yubero_2016, Derks_2021). These data indicate that the variant is likely to be associated with disease. To our knowledge, no variant specific experimental evidence demonstrating an impact on protein function has been reported although some of the affected compound heterozygous individuals mentioned above were reported to have a deficiency of branching enzyme activity. Two clinical diagnostic laboratories have submitted clinical-significance assessments for this variant to ClinVar after 2014 without evidence for independent evaluation. One laboratory classified the variant as likely pathogenic and one laboratory classified the variant as uncertain significance. Based on the evidence outlined above, the variant was classified as likely pathogenic.

CeGaT Center for Human Genetics Tuebingen
Classification: Pathogenic. Last evaluated: 2017-04-01. Review status: criteria provided, single submitter. Criteria: CeGaT Center For Human Genetics Tuebingen Variant Classification Criteria Version 2. Collection method: clinical testing. Allele origin: germline. Affected: yes. Observed: 2 variant alleles.

GeneReviews
Classification: Pathogenic for Adult Polyglucosan Body Disease. Last evaluated: 2009-04-02. Review status: no assertion criteria provided. Collection method: curation. Allele origin: unknown. Not counted in ClinVar's aggregate classification.
ClinVar note: Converted during submission from pathologic to Pathogenic.

OMIM
Classification: Pathogenic for GLYCOGEN STORAGE DISEASE IV, CHILDHOOD NEUROMUSCULAR. Last evaluated: 2004-09-28. Review status: no assertion criteria provided. Collection method: literature only. Allele origin: germline. Not counted in ClinVar's aggregate classification.

Literature cited by the submitters: PubMed 33332610 (cited by 5 submitters); PubMed 15452297 (cited by 6 submitters); PubMed 26886200 (cited by 3 submitters); PubMed 27243974 (cited by 3 submitters); PubMed 33473341 (cited by Myriad Genetics, Inc.).

NM_000158.4(GBE1):c.1883A>G (p.His628Arg)

Gene: GBE1 (1,4-alpha-glucan branching enzyme 1; minus strand). Cytogenetic location: 3p12.2.
Variant type: single nucleotide variant.
Coding change: c.1883A>G on transcript NM_000158.4 (MANE Select); coding-DNA position 1883, A replaced by G.
Protein change: p.His628Arg; replaces histidine 628 with arginine.
Molecular consequence: missense variant.
Genome position (GRCh38, 1-based): chr3:81,535,246, T>C on the plus strand (A>G on the coding strand, the complement: GBE1 is on the minus strand). VCF-style: chr3-81535246-T-C. GRCh37 (hg19) VCF-style: chr3-81584397-T-C.
Other names: NM_000158.4(GBE1):c.1883A>G; c.1883A>G; short protein forms H628R.
Identifiers: ClinVar variation 2788 (VCV000002788.68), dbSNP rs137852891, ClinGen allele CA115760.